The following is an entry in ClinVar:

NM_005263.5(GFI1):c.680A>C (p.His227Pro)

Gene: GFI1 (growth factor independent 1 transcriptional repressor; minus strand). Cytogenetic location: 1p22.1.
Variant type: single nucleotide variant.
Coding change: c.680A>C on transcript NM_005263.5 (MANE Select); coding-DNA position 680, A replaced by C.
Protein change: p.His227Pro; replaces histidine 227 with proline.
Molecular consequence: missense variant.
Genome position (GRCh38, 1-based): chr1:92,480,707, T>G on the plus strand (A>C on the coding strand, the complement: GFI1 is on the minus strand). VCF-style: chr1-92480707-T-G. GRCh37 (hg19) VCF-style: chr1-92946264-T-G.
Other names: c.680A>C, p.His227Pro (NM_001127215.3, NM_001127216.3); short protein forms H227P.
Identifiers: ClinVar variation 3703768 (VCV003703768.4).

ClinVar aggregate classification (germline): Uncertain significance. Review status: criteria provided, multiple submitters, no conflicts (2 of 4 stars). 2 submissions from 2 submitters: Uncertain significance (2). Last evaluated 2025-05-26.

Conditions:
Neutropenia, severe congenital, 2, autosomal dominant. Identifiers: Orphanet 486, MedGen C2751288, MONDO:0013139, OMIM 613107.

Submissions (2):

Ambry Genetics
Classification: Uncertain significance. Last evaluated: 2025-05-26. Review status: criteria provided, single submitter. Criteria: Ambry Variant Classification Scheme 2023. Collection method: clinical testing. Allele origin: germline.

Labcorp Genetics (formerly Invitae), Labcorp
Classification: Uncertain significance for Neutropenia, severe congenital, 2, autosomal dominant. Last evaluated: 2024-01-29. Review status: criteria provided, single submitter. Criteria: Invitae Variant Classification Sherloc (09022015). Collection method: clinical testing. Allele origin: germline.
Comment: This sequence change replaces histidine, which is basic and polar, with proline, which is neutral and non-polar, at codon 227 of the GFI1 protein (p.His227Pro). This variant is present in population databases (no rsID available, gnomAD 0.005%). This variant has not been reported in the literature in individuals affected with GFI1-related conditions. Advanced modeling of protein sequence and biophysical properties (such as structural, functional, and spatial information, amino acid conservation, physicochemical variation, residue mobility, and thermodynamic stability) performed at Invitae indicates that this missense variant is not expected to disrupt GFI1 protein function with a negative predictive value of 80%. In summary, the available evidence is currently insufficient to determine the role of this variant in disease. Therefore, it has been classified as a Variant of Uncertain Significance.